The following is an entry in ClinVar:

NM_000038.6(APC):c.2233C>T (p.Pro745Ser)

Gene: APC (APC regulator of Wnt signaling pathway; plus strand). Cytogenetic location: 5q22.2.
Variant type: single nucleotide variant.
Coding change: c.2233C>T on transcript NM_000038.6 (MANE Select); coding-DNA position 2233, C replaced by T.
Protein change: p.Pro745Ser; replaces proline 745 with serine.
Molecular consequence: missense variant.
Genome position (GRCh38, 1-based): chr5:112,837,827, C>T. VCF-style: chr5-112837827-C-T. GRCh37 (hg19) VCF-style: chr5-112173524-C-T.
Other names: c.2233C>T, p.Pro745Ser (NM_001127510.3, NM_001354895.2); c.2179C>T, p.Pro727Ser (NM_001127511.3); c.2287C>T, p.Pro763Ser (NM_001354896.2); c.2263C>T, p.Pro755Ser (NM_001354897.2); c.2158C>T, p.Pro720Ser (NM_001354898.2); c.2149C>T, p.Pro717Ser (NM_001354899.2); c.2110C>T, p.Pro704Ser (NM_001354900.2); c.2056C>T, p.Pro686Ser (NM_001354901.2); and 5 more; short protein forms P462S, P644S, P686S, P704S, P720S, P745S, P755S, P763S.
Identifiers: ClinVar variation 659013 (VCV000659013.10), dbSNP rs1580619636, ClinGen allele CA16026227.

ClinVar aggregate classification (germline): Uncertain significance (1 of 4 stars; one submission).

Conditions:
Familial adenomatous polyposis 1 (FAP1). Also called: POLYPOSIS, ADENOMATOUS INTESTINAL; FAMILIAL ADENOMATOUS POLYPOSIS 1, ATTENUATED. Identifiers: MedGen C2713442, MONDO:0021056, OMIM 175100. Disease mechanism: loss of function.

Allele frequency attached by ClinVar (database versions not stated): gnomAD exomes below 0.00001.
gnomAD v4.1: 2 of 1,613,964 alleles (0.00012%); highest among the groups gnomAD compares: South Asian, 0.0022%; no homozygotes.

Submission:

Labcorp Genetics (formerly Invitae), Labcorp
Classification: Uncertain significance for Familial adenomatous polyposis 1. Last evaluated: 2025-01-26. Review status: criteria provided, single submitter. Criteria: Invitae Variant Classification Sherloc (09022015). Collection method: clinical testing. Allele origin: germline.
Comment: This sequence change replaces proline, which is neutral and non-polar, with serine, which is neutral and polar, at codon 745 of the APC protein (p.Pro745Ser). This variant is not present in population databases (gnomAD no frequency). This variant has not been reported in the literature in individuals affected with APC-related conditions. ClinVar contains an entry for this variant (Variation ID: 659013). Invitae Evidence Modeling of protein sequence and biophysical properties (such as structural, functional, and spatial information, amino acid conservation, physicochemical variation, residue mobility, and thermodynamic stability) indicates that this missense variant is not expected to disrupt APC protein function with a negative predictive value of 95%. In summary, the available evidence is currently insufficient to determine the role of this variant in disease. Therefore, it has been classified as a Variant of Uncertain Significance.